The following is an entry in ClinVar:

ClinVar aggregate classification (germline): Benign. Review status: criteria provided, multiple submitters, no conflicts (2 of 4 stars). 2 submissions from 2 submitters: Benign (2). Last evaluated 2018-01-13.

Conditions:
Myostatin-related muscle hypertrophy (MSLHP). Also called: MUSCLE HYPERTROPHY. Identifiers: Orphanet 275534, MedGen C2931112, MONDO:0013598, OMIM 614160.

Allele frequency attached by ClinVar (database versions not stated): gnomAD 0.05640 and 0.05793; 1000 Genomes Project 0.03135; 1000 Genomes Project 30x 0.03232; TOPMed 0.05746; gnomAD exomes 0.04167.
gnomAD v4.1: 8,841 of 152,552 alleles (5.8%); highest among the groups gnomAD compares: Non-Finnish European, 9%; 378 homozygotes.

Submissions (2):

Illumina Laboratory Services, Illumina
Classification: Benign for Myostatin-related muscle hypertrophy. Last evaluated: 2018-01-13. Review status: criteria provided, single submitter. Criteria: ICSL Variant Classification Criteria 13 December 2019. Collection method: clinical testing. Allele origin: germline.
Comment: This variant was observed in the ICSL laboratory as part of a predisposition screen in an ostensibly healthy population. It had not been previously curated by ICSL or reported in the Human Gene Mutation Database (HGMD: prior to June 1st, 2018), and was therefore a candidate for classification through an automated scoring system. Utilizing variant allele frequency, disease prevalence and penetrance estimates, and inheritance mode, an automated score was calculated to assess if this variant is too frequent to cause the disease. Based on the score and internal cut-off values, a variant classified as benign is not then subjected to further curation. The score for this variant resulted in a classification of benign for this disease.

Breakthrough Genomics
Classification: Benign. Review status: criteria provided, single submitter. Criteria: ACMG Guidelines, 2015. Collection method: not provided. Allele origin: germline. Inheritance: Autosomal recessive inheritance. Affected: yes.

NM_005259.3(MSTN):c.*742C>T

Genes: C2orf88 (chromosome 2 open reading frame 88; plus strand), MSTN (myostatin; minus strand). Cytogenetic location: 2q32.2.
Variant type: single nucleotide variant.
Coding change: c.*742C>T on transcript NM_005259.3 (MANE Select); 742 bases downstream of the stop codon, C replaced by T.
Molecular consequence: 3 prime UTR variant.
Genome position (GRCh38, 1-based): chr2:190,056,516, G>A on the plus strand (C>T on the coding strand, the complement: MSTN is on the minus strand). VCF-style: chr2-190056516-G-A. GRCh37 (hg19) VCF-style: chr2-190921242-G-A.
Other names: c.*742C>T (LRG_200t1).
Identifiers: ClinVar variation 333223 (VCV000333223.6), dbSNP rs72909336, ClinGen allele CA10613569.